The following is an entry in ClinVar:

NM_004360.5(CDH1):c.1179CAC[1] (p.Thr395del)

Gene: CDH1 (cadherin 1; plus strand). Cytogenetic location: 16q22.1.
Variant type: Microsatellite.
Coding change: c.1179CAC[1] on transcript NM_004360.5 (MANE Select); one copy of the 3-base unit CAC starting at c.1179; the reference has two copies in a row; one copy, 3 bases deleted; also written c.1182_1184del.
Protein change: p.Thr395del; deletes threonine 395.
Molecular consequence: inframe deletion. On other transcripts: 5 prime UTR variant (2), intron variant (1).
Genome position (GRCh38, 1-based): chr16:68,813,357-68,813,359, CAC deleted; deleting any 3 consecutive bases within chr16:68,813,354-68,813,359 gives the same sequence; the position shown is the placement nearest the transcript's 3' end. VCF-style (leftmost placement, unchanged base first): chr16-68813353-TCAC-T. GRCh37 (hg19) VCF-style: chr16-68847256-TCAC-T.
Other names: c.1182_1184del (NM_004360.3); c.-437CAC[1] (NM_001317185.2); c.-641CAC[1] (NM_001317186.2); c.1137+1094_1137+1096del (NM_001317184.2); short protein forms T395del.
Identifiers: ClinVar variation 406671 (VCV000406671.12), dbSNP rs1060501249, ClinGen allele CA16614961.

ClinVar aggregate classification (germline): Uncertain significance (1 of 4 stars; one submission).

Conditions:
Hereditary diffuse gastric adenocarcinoma (HDGC). Also called: DIFFUSE GASTRIC AND LOBULAR BREAST CANCER SYNDROME. Identifiers: Orphanet 26106, MedGen C1708349, MONDO:0007648, OMIM 137215.

Submission:

Labcorp Genetics (formerly Invitae), Labcorp
Classification: Uncertain significance for Hereditary diffuse gastric adenocarcinoma. Last evaluated: 2019-02-25. Review status: criteria provided, single submitter. Criteria: Invitae Variant Classification Sherloc (09022015). Collection method: clinical testing. Allele origin: germline.
Comment: In summary, this is a novel in-frame deletion with uncertain impact on protein function. It has been classified as a Variant of Uncertain Significance. Experimental studies and prediction algorithms are not available for this variant, and the functional significance of the deleted amino acid is currently unknown. This variant is not present in population databases (ExAC no frequency) and has not been reported in the literature in individuals with a CDH1-related disease. This sequence change deletes 3 nucleotides from exon 9 of the CDH1 mRNA (c.1182_1184delCAC). This leads to the deletion of 1 amino acid residue in the CDH1 protein (p.Thr395del) but otherwise preserves the integrity of the reading frame.